The following is an entry in ClinVar:

NM_005458.8(GABBR2):c.967A>T (p.Ser323Cys)

Gene: GABBR2 (gamma-aminobutyric acid type B receptor subunit 2; minus strand). Cytogenetic location: 9q22.33.
Variant type: single nucleotide variant.
Coding change: c.967A>T on transcript NM_005458.8 (MANE Select); coding-DNA position 967, A replaced by T.
Protein change: p.Ser323Cys; replaces serine 323 with cysteine.
Molecular consequence: missense variant.
Genome position (GRCh38, 1-based): chr9:98,473,178, T>A on the plus strand (A>T on the coding strand, the complement: GABBR2 is on the minus strand). VCF-style: chr9-98473178-T-A. GRCh37 (hg19) VCF-style: chr9-101235460-T-A.
Other names: short protein forms S323C.
Identifiers: ClinVar variation 2076907 (VCV002076907.4), dbSNP rs2491670081, ClinGen allele CA374351300.

ClinVar aggregate classification (germline): Uncertain significance (1 of 4 stars; one submission).

Conditions:
Epileptic encephalopathy. Identifiers: MedGen C0543888, HP:0200134.

Submission:

Labcorp Genetics (formerly Invitae), Labcorp
Classification: Uncertain significance for Epileptic encephalopathy. Last evaluated: 2023-02-11. Review status: criteria provided, single submitter. Criteria: Invitae Variant Classification Sherloc (09022015). Collection method: clinical testing. Allele origin: germline.
Comment: In summary, the available evidence is currently insufficient to determine the role of this variant in disease. Therefore, it has been classified as a Variant of Uncertain Significance. Advanced modeling of protein sequence and biophysical properties (such as structural, functional, and spatial information, amino acid conservation, physicochemical variation, residue mobility, and thermodynamic stability) performed at Invitae indicates that this missense variant is expected to disrupt GABBR2 protein function. This variant has not been reported in the literature in individuals affected with GABBR2-related conditions. This sequence change replaces serine, which is neutral and polar, with cysteine, which is neutral and slightly polar, at codon 323 of the GABBR2 protein (p.Ser323Cys). This variant is not present in population databases (gnomAD no frequency).